The following is an entry in ClinVar:

ClinVar aggregate classification (germline): Uncertain significance. Review status: criteria provided, multiple submitters, no conflicts (2 of 4 stars). 3 submissions from 3 submitters: Uncertain significance (3). Last evaluated 2025-03-10.

Conditions:
Combined immunodeficiency due to DOCK8 deficiency (HIES2). Also called: HIES autosomal recessive; HYPER-IgE SYNDROME 2, AUTOSOMAL RECESSIVE, WITH RECURRENT INFECTIONS; Hyper-IgE recurrent infection syndrome, autosomal recessive; HYPER-IgE RECURRENT INFECTION SYNDROME 2, AUTOSOMAL RECESSIVE; DOCK8 Deficiency. Identifiers: Orphanet 217390, MedGen C4722305, MONDO:0009478, OMIM 243700.

Allele frequency attached by ClinVar (database versions not stated): TOPMed 0.00001.
gnomAD v4.1: 35 of 1,614,078 alleles (0.0022%); highest among the groups gnomAD compares: Middle Eastern, 0.066%; 1 homozygote.

Submissions (3):

Labcorp Genetics (formerly Invitae), Labcorp
Classification: Uncertain significance for Combined immunodeficiency due to DOCK8 deficiency. Last evaluated: 2025-03-10. Review status: criteria provided, single submitter. Criteria: Invitae Variant Classification Sherloc (09022015). Collection method: clinical testing. Allele origin: germline.
Comment: This sequence change replaces asparagine, which is neutral and polar, with isoleucine, which is neutral and non-polar, at codon 1428 of the DOCK8 protein (p.Asn1428Ile). This variant is present in population databases (rs150057289, gnomAD 0.02%). This variant has not been reported in the literature in individuals affected with DOCK8-related conditions. ClinVar contains an entry for this variant (Variation ID: 450324). Invitae Evidence Modeling of protein sequence and biophysical properties (such as structural, functional, and spatial information, amino acid conservation, physicochemical variation, residue mobility, and thermodynamic stability) has been performed for this missense variant. However, the output from this modeling did not meet the statistical confidence thresholds required to predict the impact of this variant on DOCK8 protein function. In summary, the available evidence is currently insufficient to determine the role of this variant in disease. Therefore, it has been classified as a Variant of Uncertain Significance.

GeneDx
Classification: Uncertain significance. Last evaluated: 2017-06-30. Review status: criteria provided, single submitter. Criteria: GeneDx Variant Classification (06012015). Collection method: clinical testing. Allele origin: germline. Affected: yes.
Comment: The N1428I variant has not been published as a pathogenic variant, nor has it been reported as a benign variant to our knowledge. The variant is not observed at any significant frequency in large population cohorts (Lek et al., 2016; 1000 Genomes Consortium et al., 2015; Exome Variant Server). N1428I is a non-conservative amino acid substitution, which is likely to impact secondary protein structure as these residues differ in polarity, charge, size and/or other properties. This substitution occurs at a position that is conserved across species, and in silico analysis predicts this variant is probably damaging to the protein structure/function. In summary, based on the currently available information, it is unclear whether this variant is a pathogenic variant or a rare benign variant.

Breakthrough Genomics
Classification: Uncertain significance. Review status: criteria provided, single submitter. Criteria: ACMG Guidelines, 2015. Collection method: not provided. Allele origin: germline. Inheritance: Autosomal recessive inheritance. Affected: yes.

NM_203447.4(DOCK8):c.4283A>T (p.Asn1428Ile)

Gene: DOCK8 (dedicator of cytokinesis 8; plus strand). Cytogenetic location: 9p24.3.
Variant type: single nucleotide variant.
Coding change: c.4283A>T on transcript NM_203447.4 (MANE Select); coding-DNA position 4283, A replaced by T.
Protein change: p.Asn1428Ile; replaces asparagine 1428 with isoleucine.
Molecular consequence: missense variant.
Genome position (GRCh38, 1-based): chr9:426,926, A>T. VCF-style: chr9-426926-A-T. GRCh37 (hg19) VCF-style: chr9-426926-A-T.
Other names: c.3983A>T, p.Asn1328Ile (NM_001190458.2); c.4079A>T, p.Asn1360Ile (NM_001193536.2); short protein forms N1428I, N1328I, N1360I.
Identifiers: ClinVar variation 450324 (VCV000450324.8), dbSNP rs150057289, ClinGen allele CA4959027.